The following is an entry in ClinVar:

NM_198239.2(CCN6):c.646_647dup (p.Trp216fs)

Gene: CCN6 (cellular communication network factor 6; plus strand). Cytogenetic location: 6q21.
Variant type: Duplication.
Coding change: c.646_647dup on transcript NM_198239.2 (MANE Select); coding-DNA positions 646 to 647, 2 bases duplicated (TG; older notation c.646_647dupTG).
Protein change: p.Trp216fs; shifts the reading frame from tryptophan 216.
Molecular consequence: frameshift variant. On other transcripts: non-coding transcript variant (2).
Genome position (GRCh38, 1-based): chr6:112,068,261-112,068,262, TG duplicated. VCF-style (leftmost placement, unchanged base first): chr6-112068260-A-ATG. GRCh37 (hg19) VCF-style: chr6-112389463-A-ATG.
Other names: c.646_647dup, p.Trp216fs (NM_003880.4); short protein forms W216fs.
Identifiers: ClinVar variation 2044417 (VCV002044417.4), dbSNP rs2546928953, ClinGen allele CA2580074783.

ClinVar aggregate classification (germline): Pathogenic (1 of 4 stars; one submission).

Submission:

Labcorp Genetics (formerly Invitae), Labcorp
Classification: Pathogenic. Last evaluated: 2023-07-07. Review status: criteria provided, single submitter. Criteria: Invitae Variant Classification Sherloc (09022015). Collection method: clinical testing. Allele origin: germline.
Comment: For these reasons, this variant has been classified as Pathogenic. ClinVar contains an entry for this variant (Variation ID: 2044417). This variant has not been reported in the literature in individuals affected with WISP3-related conditions. This variant is not present in population databases (gnomAD no frequency). This sequence change creates a premature translational stop signal (p.Trp216Cysfs*17) in the WISP3 gene. It is expected to result in an absent or disrupted protein product. Loss-of-function variants in WISP3 are known to be pathogenic (PMID: 22791401).

Literature cited by the submitters: PubMed 22791401.